The following is an entry in ClinVar:

ClinVar aggregate classification (germline): Uncertain significance. Review status: criteria provided, multiple submitters, no conflicts (2 of 4 stars). 2 submissions from 2 submitters: Uncertain significance (2). Last evaluated 2023-03-08.

Conditions:
Inborn genetic diseases. Identifiers: MedGen C0950123, MeSH D030342.
Neuropathy, hereditary sensory and autonomic, type 2A (HSAN2A). Also called: MORVAN DISEASE; NEUROPATHY, CONGENITAL SENSORY; NEUROPATHY, HEREDITARY SENSORY RADICULAR, AUTOSOMAL RECESSIVE; ACROOSTEOLYSIS, GIACCAI TYPE; ACROOSTEOLYSIS, NEUROGENIC; HSAN IIA. Identifiers: Orphanet 970, MedGen C2752089, MONDO:0024309, OMIM 201300.
Generalized epilepsy with febrile seizures plus, type 7 (GEFSP7). Also called: GEFS+, TYPE 7. Identifiers: Orphanet 36387, MedGen C2751778, MONDO:0013470, OMIM 613863.

Submissions (2):

Labcorp Genetics (formerly Invitae), Labcorp
Classification: Uncertain significance for Neuropathy, hereditary sensory and autonomic, type 2A; Generalized epilepsy with febrile seizures plus, type 7. Last evaluated: 2023-03-08. Review status: criteria provided, single submitter. Criteria: Invitae Variant Classification Sherloc (09022015). Collection method: clinical testing. Allele origin: germline.
Comment: In summary, the available evidence is currently insufficient to determine the role of this variant in disease. Therefore, it has been classified as a Variant of Uncertain Significance. Advanced modeling of protein sequence and biophysical properties (such as structural, functional, and spatial information, amino acid conservation, physicochemical variation, residue mobility, and thermodynamic stability) performed at Invitae indicates that this missense variant is not expected to disrupt SCN9A protein function. This variant has not been reported in the literature in individuals affected with SCN9A-related conditions. This variant is not present in population databases (gnomAD no frequency). This sequence change replaces leucine, which is neutral and non-polar, with serine, which is neutral and polar, at codon 500 of the SCN9A protein (p.Leu500Ser).

Ambry Genetics
Classification: Uncertain significance for Inborn genetic diseases. Last evaluated: 2023-01-23. Review status: criteria provided, single submitter. Criteria: Ambry Variant Classification Scheme 2023. Collection method: clinical testing. Allele origin: germline.

NM_001365536.1(SCN9A):c.1499T>C (p.Leu500Ser)

Genes: SCN9A (sodium voltage-gated channel alpha subunit 9; minus strand), SCN1A-AS1 (SCN1A and SCN9A antisense RNA 1; plus strand). Cytogenetic location: 2q24.3.
Variant type: single nucleotide variant.
Coding change: c.1499T>C on transcript NM_001365536.1 (MANE Select); coding-DNA position 1499, T replaced by C.
Protein change: p.Leu500Ser; replaces leucine 500 with serine.
Molecular consequence: missense variant.
Genome position (GRCh38, 1-based): chr2:166,286,439, A>G on the plus strand (T>C on the coding strand, the complement: SCN9A is on the minus strand). VCF-style: chr2-166286439-A-G. GRCh37 (hg19) VCF-style: chr2-167142949-A-G.
Other names: c.1499T>C, p.Leu500Ser (NM_002977.4); short protein forms L500S.
Identifiers: ClinVar variation 2478210 (VCV002478210.5), dbSNP rs1553490362, ClinGen allele CA349084602.
Genomic context (GRCh38, chr2:166,286,439, plus strand): 5'-CCTTCGACACCAAGGTGGAAACTTTTTCTTCTGATGCTGTCCTCTGATTCTGATTTCGAC[A>G]ATTTCTCAGCATCTCCCTTTTCCTCTCCACTGGAGAGCTTCTTTTGATTCTTTTTCTTTC-3'
Protein context (NP_001352465.1, residues 490-510): SGEEKGDAEK[Leu500Ser]SKSESEDSIR